The following continues an entry in ClinVar:

NM_004004.6(GJB2):c.109G>A (p.Val37Ile)

Gene: GJB2. ClinVar aggregate classification (germline): Pathogenic. Pathogenic (1).

Submissions 53 to 65 of 65:

Laboratory of Human Genetics, Universidade de São Paulo
Classification: Likely pathogenic for Hearing loss, autosomal recessive. Review status: criteria provided, single submitter. Criteria: ACMG Guidelines, 2015. Collection method: clinical testing. Allele origin: biparental. Affected: yes. Observed: 1 variant allele. Not counted in ClinVar's aggregate classification.

Lifecell International Pvt. Ltd
Classification: Pathogenic for Autosomal recessive nonsyndromic hearing loss 1A. Review status: criteria provided, single submitter. Criteria: ACMG Guidelines, 2015. Collection method: clinical testing. Allele origin: germline. Inheritance: Autosomal recessive inheritance. Affected: yes. Observed: 1 compound heterozygote. Not counted in ClinVar's aggregate classification.
Comment: A Heterozygous Missense variant c.109G>A in Exon 2 of the GJB2 gene that results in the amino acid substitution p.Val37Ile was identified. The observed variant has a minor allele frequency of 0.00772/0.00624% in gnomAD exomes and genomes, respectively. The severity of the impact of this variant on the protein is medium, based on the effect of the protein and REVEL score . Rare Exome Variant Ensemble Learner (REVEL) is an ensembl method for predicting the pathogenicity of missense variants based on a combination of scores from 13 individual tools: MutPred, FATHMM v2.3, VEST 3.0, PolyPhen-2, SIFT, PROVEAN, MutationAssessor, MutationTaster, LRT, GERP++, SiPhy, phyloP, and phastCons. The REVEL score for an individual missense variant can range from 0 to 1, with higher scores reflecting greater likelihood that the variant is disease-causing. ClinVar has also classified this variant as Pathogenic [Variant ID : 17023]. The variant has previously been reported for deafness by Shen, Jun, et al., 2019. Experimental studies have shown that this missense change disrupts the formation of homotypic junctional channels in vitro by Chen, Ying, et al., 2016. For these reasons this variant has been classified as Pathogenic.

Medical Genetics and Prenatal Diagnosis Center, Guangxi Academy of Medical Sciences and the People’s Hospital of Guangxi Zhuang Autonomous Region
Classification: Pathogenic for Autosomal dominant nonsyndromic hearing loss 3A. Review status: criteria provided, single submitter. Criteria: ACMG Guidelines, 2015. Collection method: clinical testing. Allele origin: biparental. Affected: yes. Not counted in ClinVar's aggregate classification.
Comment: NM_004004.6(GJB2):c.109G>A is a missense mutation predicted to affect gene function. Literature reports indicate that the frequency of this variant is significantly higher in the affected population compared to the control population (OR=20) [PMID: 31160754] (PS4); literature reports demonstrate co-segregation of this variant with the disease in multiple affected family members [PMID: 31160754] (PP1_Strong); literature reports have detected homozygous variants at this locus in multiple patients [PMID: 31160754] (PM3); the frequencies of this variant in the 1000 Genomes Project (1000G), the China Genome Database, the Exome Aggregation Consortium (ExAC), and the Genome Aggregation Database (gnomAD) are 0.0153754, 0.03411398, 0.00658697444352844, and 0.0706543, respectively; this known variant is classified as Pathogenic (P) in the ClinVar database and as DM in the HGMD database [PMID: 10633133; 10830906; 12121355; 12505163; 12792423]. In summary, based on the ACMG Guidelines, 2015 (PMID: 25741868), the above evidence supports this variant as Pathogenic for autosomal dominant 3A, classified as PS4, PP1_Strong, and PM3.

Genetic Testing Center for Deafness, Department of Otolaryngology Head & Neck Surgery, Institute of Otolaryngology, Chinese PLA General Hospital
Classification: Likely pathogenic for Autosomal recessive nonsyndromic hearing loss 1A. Last evaluated: 2019-02-26. Review status: no assertion criteria provided. Collection method: case-control. Allele origin: inherited. Affected: yes. Observed: 26 variant alleles. Clinical features observed: hearing loss. Not counted in ClinVar's aggregate classification.

Division of Human Genetics, Children's Hospital of Philadelphia
Classification: Pathogenic for Deafness, autosomal recessive 1A. Last evaluated: 2015-01-23. Review status: no assertion criteria provided. Collection method: research. Allele origin: germline. Affected: no. Study: CSER-PediSeq. Not counted in ClinVar's aggregate classification.
Comment: The GJB2 variant (c.109G>A; p.V37I) identified in this patient is a missense variant reported to be a common pathogenic variant in individuals with Asian ancestry and is associated with mild to moderate, sometimes progressive hearing impairment in individuals with various ages. (Gallant et al. 2013, PMID: 23873582; Huculak et al. 2006, PMID: 17036313; Bruzzone et al. 2003, PMID: 12505163; Li et al. 2012, PMID: 22574200)

OMIM
Classification: Pathogenic for DEAFNESS, AUTOSOMAL RECESSIVE 1A. Last evaluated: 2007-11-01. Review status: no assertion criteria provided. Collection method: literature only. Allele origin: germline. Not counted in ClinVar's aggregate classification.

Clinical Genetics DNA and cytogenetics Diagnostics Lab, Erasmus MC, Erasmus Medical Center
Classification: Pathogenic. Review status: no assertion criteria provided. Collection method: clinical testing. Allele origin: germline. Affected: yes. Study: VKGL Data-share Consensus. Not counted in ClinVar's aggregate classification.

Diagnostic Laboratory, Department of Genetics, University Medical Center Groningen
Classification: Pathogenic. Review status: no assertion criteria provided. Collection method: clinical testing. Allele origin: germline. Affected: yes. Study: VKGL Data-share Consensus. Not counted in ClinVar's aggregate classification.

GeneReviews
No classification provided. Condition: Autosomal recessive nonsyndromic hearing loss 1A. Review status: no classification provided. Collection method: literature only. Allele origin: unknown. Not counted in ClinVar's aggregate classification.

Genome Diagnostics Laboratory, Amsterdam University Medical Center
Classification: Pathogenic. Review status: no assertion criteria provided. Collection method: clinical testing. Allele origin: germline. Affected: yes. Study: VKGL Data-share Consensus. Not counted in ClinVar's aggregate classification.

Joint Genome Diagnostic Labs from Nijmegen and Maastricht, Radboudumc and MUMC+
Classification: Pathogenic. Review status: no assertion criteria provided. Collection method: clinical testing. Allele origin: germline. Affected: yes. Study: VKGL Data-share Consensus. Not counted in ClinVar's aggregate classification.

Genomic Diagnostic Laboratory, Division of Genomic Diagnostics, Children's Hospital of Philadelphia
Classification: Uncertain significance for Deafness, autosomal recessive 1A. Last evaluated: 2017-05-09. Review status: flagged submission. Criteria: DGD Variant Analysis Guidelines. Collection method: clinical testing. Allele origin: germline. Affected: yes and no. Observed: 41 variant alleles. Not counted in ClinVar's aggregate classification.
ClinVar note: Reason: Conflicts with expert reviewed submission without evidence to support different classification

Genetic Testing Center for Deafness, Department of Otolaryngology Head & Neck Surgery, Institute of Otolaryngology, Chinese PLA General Hospital
Classification: Likely benign for Autosomal dominant nonsyndromic hearing loss 3A. Review status: flagged submission. Criteria: ClinGen HL ACMG Specifications v1. Collection method: case-control. Allele origin: maternal. Affected: no. Observed: 2 variant alleles. Not counted in ClinVar's aggregate classification.
ClinVar note: Reason: Unnecessary conflicting claim for distinct condition when other classifications are more relevant

Literature cited by the submitters: PubMed 31160754 (cited by 14 submitters); PubMed 12505163 (cited by 10 submitters); PubMed 16380907 (cited by 7 submitters); PubMed 17036313 (cited by 6 submitters); PubMed 17041943 (cited by 3 submitters); PubMed 22574200 (cited by Ambry Genetics); PubMed 35016843 (cited by Ambry Genetics); PubMed 28489599 (cited by 4 submitters); PubMed 23637863 (cited by Labcorp Genetics (formerly Invitae), Labcorp and Athena Diagnostics); PubMed 26885124 (cited by Labcorp Genetics (formerly Invitae), Labcorp and Athena Diagnostics); PubMed 26061099 (cited by 3 submitters); PubMed 16952406 (cited by Labcorp Genetics (formerly Invitae), Labcorp); PubMed 21488715 (cited by Labcorp Genetics (formerly Invitae), Labcorp); PubMed 24945352 (cited by Labcorp Genetics (formerly Invitae), Labcorp and Variantyx, Inc.); PubMed 26088551 (cited by 6 submitters); PubMed 17935238 (cited by 7 submitters); PubMed 24654934 (cited by 4 submitters); PubMed 27623246 (cited by 5 submitters); PubMed 40945494 (cited by Department of Otolaryngology Head and Neck Surgery, Hainan Hospital of the Chinese People’s Liberation Army General Hospital); PubMed 41230583 (cited by Department of Otolaryngology Head and Neck Surgery, Hainan Hospital of the Chinese People’s Liberation Army General Hospital); PubMed 27308859 (cited by 3billion); PubMed 16300957 (cited by 6 submitters); PubMed 15365987 (cited by 3billion); PubMed 10633133 (cited by 5 submitters); PubMed 28428247 (cited by Victorian Clinical Genetics Services, Murdoch Childrens Research Institute); PubMed 12792423 (cited by 3 submitters); PubMed 20301449 (cited by Victorian Clinical Genetics Services, Murdoch Childrens Research Institute and GeneReviews); PubMed 27308839 (cited by Mayo Clinic Laboratories, Mayo Clinic); PubMed 38486023 (cited by Mayo Clinic Laboratories, Mayo Clinic); PubMed 39461497 (cited by Mayo Clinic Laboratories, Mayo Clinic); PubMed 39862573 (cited by Mayo Clinic Laboratories, Mayo Clinic); PubMed 39947265 (cited by Mayo Clinic Laboratories, Mayo Clinic); PubMed 40008839 (cited by Mayo Clinic Laboratories, Mayo Clinic); PubMed 40054393 (cited by Mayo Clinic Laboratories, Mayo Clinic); PubMed 40301096 (cited by Mayo Clinic Laboratories, Mayo Clinic); PubMed 40421383 (cited by Mayo Clinic Laboratories, Mayo Clinic); PubMed 34032567 (cited by Natera, Inc.); PubMed 12081719 (cited by Natera, Inc.); PubMed 38831582 (cited by Athena Diagnostics); PubMed 38730444 (cited by Athena Diagnostics); PubMed 11746015 (cited by Athena Diagnostics); PubMed 12121355 (cited by 5 submitters); PubMed 23680645 (cited by Athena Diagnostics); PubMed 23873582 (cited by Athena Diagnostics and Division of Human Genetics, Children's Hospital of Philadelphia); PubMed 15070423 (cited by Athena Diagnostics); PubMed 22106692 (cited by Athena Diagnostics); PubMed 34599368 (cited by Athena Diagnostics); PubMed 36190904 (cited by Athena Diagnostics); PubMed 26061264 (cited by Athena Diagnostics); PubMed 26896187 (cited by Athena Diagnostics); PubMed 24737404 (cited by Athena Diagnostics); PubMed 30311386 (cited by Athena Diagnostics); PubMed 10830906 (cited by 3 submitters); PubMed 19707039 (cited by Athena Diagnostics); PubMed 9529365 (cited by 4 submitters); PubMed 26095810 (cited by Department of Otolaryngology – Head & Neck Surgery, Cochlear Implant Center); PubMed 16840571 (cited by 4 submitters); PubMed 15479191 (cited by Myriad Genetics, Inc.); PubMed 17331080 (cited by Women's Health and Genetics/Laboratory Corporation of America, LabCorp); PubMed 10982180 (cited by 3 submitters); PubMed 14985372 (cited by Women's Health and Genetics/Laboratory Corporation of America, LabCorp); PubMed 15700112 (cited by Women's Health and Genetics/Laboratory Corporation of America, LabCorp); PubMed 15113126 (cited by Women's Health and Genetics/Laboratory Corporation of America, LabCorp); PubMed 12560944 (cited by Women's Health and Genetics/Laboratory Corporation of America, LabCorp); PubMed 15954104 (cited by Women's Health and Genetics/Laboratory Corporation of America, LabCorp); PubMed 15464305 (cited by Women's Health and Genetics/Laboratory Corporation of America, LabCorp); PubMed 15967879 (cited by Women's Health and Genetics/Laboratory Corporation of America, LabCorp); PubMed 25262649 (cited by Women's Health and Genetics/Laboratory Corporation of America, LabCorp); PubMed 21811586 (cited by Illumina Laboratory Services, Illumina); NCBI Bookshelf NBK1272 (cited by GeneReviews).